The following is an entry in ClinVar:

ClinVar aggregate classification (germline): Uncertain significance. Review status: criteria provided, multiple submitters, no conflicts (2 of 4 stars). 2 submissions from 2 submitters: Uncertain significance (2). Last evaluated 2025-05-20.

Allele frequency attached by ClinVar (database versions not stated): gnomAD 0.00007 and 0.00006; ExAC 0.00003; TOPMed 0.00005; ESP Exome Variant Server 0.00008.
gnomAD v4.1: 48 of 1,598,786 alleles (0.003%); highest among the groups gnomAD compares: Non-Finnish European, 0.0036%; no homozygotes.

Submissions (2):

Mayo Clinic Laboratories, Mayo Clinic
Classification: Uncertain significance. Last evaluated: 2025-05-20. Review status: criteria provided, single submitter. Criteria: ACMG Guidelines, 2015. Collection method: clinical testing. Allele origin: germline. Observed: 1 variant allele.
Comment: BP4_strong

Labcorp Genetics (formerly Invitae), Labcorp
Classification: Uncertain significance. Last evaluated: 2024-10-07. Review status: criteria provided, single submitter. Criteria: Invitae Variant Classification Sherloc (09022015). Collection method: clinical testing. Allele origin: germline.
Comment: This sequence change replaces glutamic acid, which is acidic and polar, with glutamine, which is neutral and polar, at codon 300 of the CARMIL2 protein (p.Glu300Gln). The frequency data for this variant in the population databases is considered unreliable, as metrics indicate poor data quality at this position in the gnomAD database. This variant has not been reported in the literature in individuals affected with CARMIL2-related conditions. ClinVar contains an entry for this variant (Variation ID: 1395410). Invitae Evidence Modeling of protein sequence and biophysical properties (such as structural, functional, and spatial information, amino acid conservation, physicochemical variation, residue mobility, and thermodynamic stability) indicates that this missense variant is not expected to disrupt CARMIL2 protein function with a negative predictive value of 80%. In summary, the available evidence is currently insufficient to determine the role of this variant in disease. Therefore, it has been classified as a Variant of Uncertain Significance.

NM_001013838.3(CARMIL2):c.898G>C (p.Glu300Gln)

Gene: CARMIL2 (capping protein regulator and myosin 1 linker 2; plus strand). Cytogenetic location: 16q22.1.
Variant type: single nucleotide variant.
Coding change: c.898G>C on transcript NM_001013838.3 (MANE Select); coding-DNA position 898, G replaced by C.
Protein change: p.Glu300Gln; replaces glutamic acid 300 with glutamine.
Molecular consequence: missense variant.
Genome position (GRCh38, 1-based): chr16:67,647,706, G>C. VCF-style: chr16-67647706-G-C. GRCh37 (hg19) VCF-style: chr16-67681609-G-C.
Other names: p.Glu300Gln; c.898G>C, p.Glu300Gln (NM_001317026.3); short protein forms E300Q.
Identifiers: ClinVar variation 1395410 (VCV001395410.7), dbSNP rs376677033, ClinGen allele CA8113268.